The following is an entry in ClinVar:

NM_006231.4(POLE):c.4175A>T (p.Asn1392Ile)

Gene: POLE (DNA polymerase epsilon, catalytic subunit; minus strand). Cytogenetic location: 12q24.33.
Variant type: single nucleotide variant.
Coding change: c.4175A>T on transcript NM_006231.4 (MANE Select); coding-DNA position 4175, A replaced by T.
Protein change: p.Asn1392Ile; replaces asparagine 1392 with isoleucine.
Molecular consequence: missense variant.
Genome position (GRCh38, 1-based): chr12:132,643,952, T>A on the plus strand (A>T on the coding strand, the complement: POLE is on the minus strand). VCF-style: chr12-132643952-T-A. GRCh37 (hg19) VCF-style: chr12-133220538-T-A.
Other names: short protein forms N1392I.
Identifiers: ClinVar variation 2746968 (VCV002746968.3), dbSNP rs755971358, ClinGen allele CA387382437.

ClinVar aggregate classification (germline): Uncertain significance (1 of 4 stars; one submission).

Submission:

Labcorp Genetics (formerly Invitae), Labcorp
Classification: Uncertain significance. Last evaluated: 2023-07-25. Review status: criteria provided, single submitter. Criteria: Invitae Variant Classification Sherloc (09022015). Collection method: clinical testing. Allele origin: germline.
Comment: In summary, the available evidence is currently insufficient to determine the role of this variant in disease. Therefore, it has been classified as a Variant of Uncertain Significance. Advanced modeling of protein sequence and biophysical properties (such as structural, functional, and spatial information, amino acid conservation, physicochemical variation, residue mobility, and thermodynamic stability) performed at Invitae indicates that this missense variant is not expected to disrupt POLE protein function. This variant has not been reported in the literature in individuals affected with POLE-related conditions. This variant is not present in population databases (gnomAD no frequency). This sequence change replaces asparagine, which is neutral and polar, with isoleucine, which is neutral and non-polar, at codon 1392 of the POLE protein (p.Asn1392Ile).